The following is an entry in ClinVar:

NM_000350.3(ABCA4):c.1851_1860del (p.Ile619fs)

Gene: ABCA4 (ATP binding cassette subfamily A member 4; minus strand). Cytogenetic location: 1p22.1.
Variant type: Deletion.
Coding change: c.1851_1860del on transcript NM_000350.3 (MANE Select); coding-DNA positions 1851 to 1860, 10 bases deleted (GGGGATCACA; older notation c.1851_1860delGGGGATCACA).
Protein change: p.Ile619fs; shifts the reading frame from isoleucine 619.
Molecular consequence: frameshift variant.
Genome position (GRCh38, 1-based): chr1:94,062,654-94,062,663, TGTGATCCCC deleted on the plus strand (GGGGATCACA on the coding strand, the reverse complement: ABCA4 is on the minus strand); deleting any 10 consecutive bases within chr1:94,062,654-94,062,666 gives the same sequence; the c. name uses the placement nearest the transcript's 3' end. VCF-style (leftmost placement, unchanged base first): chr1-94062653-TTGTGATCCCC-T. GRCh37 (hg19) VCF-style: chr1-94528209-TTGTGATCCCC-T.
Other names: c.1848_1857delACAGGGGATC, p.Ile619Alafs (NM_001425324.1); short protein forms I619fs.
Identifiers: ClinVar variation 866871 (VCV000866871.7), dbSNP rs1661162346, ClinGen allele CA916082070.

ClinVar aggregate classification (germline): Pathogenic/Likely pathogenic. Review status: criteria provided, multiple submitters, no conflicts (2 of 4 stars). 2 submissions from 2 submitters: Pathogenic (1); Likely pathogenic (1). Last evaluated 2025-12-17.

Conditions:
ABCA4-related disorder. Also called: ABCA4-related condition; ABCA4-related disorders. Identifiers: MedGen CN239167.

Submissions (2):

Labcorp Genetics (formerly Invitae), Labcorp
Classification: Pathogenic. Last evaluated: 2025-12-17. Review status: criteria provided, single submitter. Criteria: Invitae Variant Classification Sherloc (09022015). Collection method: clinical testing. Allele origin: germline.
Comment: This sequence change creates a premature translational stop signal (p.Ile619Alafs*27) in the ABCA4 gene. It is expected to result in an absent or disrupted protein product. Loss-of-function variants in ABCA4 are known to be pathogenic (PMID: 10958761, 24938718, 25312043, 26780318). This variant is not present in population databases (gnomAD no frequency). This variant has not been reported in the literature in individuals affected with ABCA4-related conditions. ClinVar contains an entry for this variant (Variation ID: 866871). For these reasons, this variant has been classified as Pathogenic.

Blueprint Genetics
Classification: Likely pathogenic for ABCA4-related disorders. Last evaluated: 2018-03-23. Review status: criteria provided, single submitter. Criteria: ACMG Guidelines, 2015. Collection method: clinical testing. Allele origin: germline. Affected: yes. Observed: 1 variant allele.

Literature cited by the submitters: PubMed 10958761 (cited by Labcorp Genetics (formerly Invitae), Labcorp); PubMed 24938718 (cited by Labcorp Genetics (formerly Invitae), Labcorp); PubMed 25312043 (cited by Labcorp Genetics (formerly Invitae), Labcorp); PubMed 26780318 (cited by Labcorp Genetics (formerly Invitae), Labcorp).